The following is an entry in ClinVar:

NM_000535.7(PMS2):c.581T>C (p.Ile194Thr)

Gene: PMS2 (PMS1 homolog 2, mismatch repair system component; minus strand). Cytogenetic location: 7p22.1.
Variant type: single nucleotide variant.
Coding change: c.581T>C on transcript NM_000535.7 (MANE Select); coding-DNA position 581, T replaced by C.
Protein change: p.Ile194Thr; replaces isoleucine 194 with threonine.
Molecular consequence: missense variant. On other transcripts: non-coding transcript variant (1), intron variant (9).
Genome position (GRCh38, 1-based): chr7:5,999,232, A>G on the plus strand (T>C on the coding strand, the complement: PMS2 is on the minus strand). VCF-style: chr7-5999232-A-G. GRCh37 (hg19) VCF-style: chr7-6038863-A-G.
Other names: c.176T>C, p.Ile59Thr (NM_001322003.2, NM_001322004.2, NM_001322005.2 and 21 more transcripts); c.581T>C, p.Ile194Thr (NM_001322006.2, NM_001322014.2, NM_001406869.1 and 5 more transcripts); c.263T>C, p.Ile88Thr (NM_001322007.2, NM_001322008.2, NM_001406876.1 and 4 more transcripts); c.272T>C, p.Ile91Thr (NM_001322015.2, NM_001406875.1, NM_001406877.1 and 6 more transcripts); c.767T>C, p.Ile256Thr (NM_001406866.1); c.605T>C, p.Ile202Thr (NM_001406868.1); c.132+3221T>C (NM_001406911.1); c.133-1809T>C (NM_001322013.2, NM_001406909.1); and 4 more; short protein forms I91T, I59T, I194T, I256T, I202T, I88T.
Identifiers: ClinVar variation 3308083 (VCV003308083.1).

ClinVar aggregate classification (germline): Uncertain significance (1 of 4 stars; one submission).

Conditions:
Hereditary cancer-predisposing syndrome. Also called: Tumor predisposition; Hereditary Cancer Syndrome; Hereditary neoplastic syndrome; Neoplastic Syndromes, Hereditary. Identifiers: Orphanet 140162, MedGen C0027672, MeSH D009386, MONDO:0015356.

Submission:

Ambry Genetics
Classification: Uncertain significance for Hereditary cancer-predisposing syndrome. Last evaluated: 2024-03-17. Review status: criteria provided, single submitter. Criteria: Ambry Variant Classification Scheme 2023. Collection method: clinical testing. Allele origin: germline.
Comment: The p.I194T variant (also known as c.581T>C), located in coding exon 6 of the PMS2 gene, results from a T to C substitution at nucleotide position 581. The isoleucine at codon 194 is replaced by threonine, an amino acid with similar properties. This amino acid position is conserved. In addition, this alteration is predicted to be deleterious by in silico analysis. Based on the available evidence, the clinical significance of this alteration remains unclear.